The following is an entry in ClinVar:

NM_020821.3(VPS13C):c.5653A>C (p.Asn1885His)

Gene: VPS13C (vacuolar protein sorting 13 homolog C; minus strand). Cytogenetic location: 15q22.2.
Variant type: single nucleotide variant.
Coding change: c.5653A>C on transcript NM_020821.3 (MANE Select); coding-DNA position 5653, A replaced by C.
Protein change: p.Asn1885His; replaces asparagine 1885 with histidine.
Molecular consequence: missense variant.
Genome position (GRCh38, 1-based): chr15:61,936,699, T>G on the plus strand (A>C on the coding strand, the complement: VPS13C is on the minus strand). VCF-style: chr15-61936699-T-G. GRCh37 (hg19) VCF-style: chr15-62228898-T-G.
Other names: c.5653A>C, p.Asn1885His (NM_001018088.3); c.5524A>C, p.Asn1842His (NM_017684.5, NM_018080.4); short protein forms N1842H, N1885H.
Identifiers: ClinVar variation 932210 (VCV000932210.1), dbSNP rs757119917, ClinGen allele CA392689621.

ClinVar aggregate classification (germline): Uncertain significance (1 of 4 stars; one submission).

Allele frequency attached by ClinVar (database versions not stated): gnomAD exomes below 0.00001.
gnomAD v4.1: 1 of 1,613,530 alleles (0.000062%); highest among the groups gnomAD compares: Non-Finnish European, 0.000085%; no homozygotes.

Submission:

Women's Health and Genetics/Laboratory Corporation of America, LabCorp
Classification: Uncertain significance. Last evaluated: 2020-05-11. Review status: criteria provided, single submitter. Criteria: LabCorp Variant Classification Summary - May 2015. Collection method: clinical testing. Allele origin: germline.
Comment: Variant summary: VPS13C c.5653A>C (p.Asn1885His) results in a conservative amino acid change in the encoded protein sequence. Three of five in-silico tools predict a damaging effect of the variant on protein function. The variant was absent in 250570 control chromosomes (gnomAD). The available data on variant occurrences in the general population are insufficient to allow any conclusion about variant significance. To our knowledge, no occurrence of c.5653A>C in individuals affected with Parkinson Disease 23, Autosomal Recessive Early-Onset and no experimental evidence demonstrating its impact on protein function have been reported. No clinical diagnostic laboratories have submitted clinical-significance assessments for this variant to ClinVar after 2014. Based on the evidence outlined above, the variant was classified as uncertain significance.